The following is an entry in ClinVar:

NM_182914.3(SYNE2):c.11589del (p.Ile3864fs)

Gene: SYNE2 (spectrin repeat containing nuclear envelope protein 2; plus strand). Cytogenetic location: 14q23.2.
Variant type: Deletion.
Coding change: c.11589del on transcript NM_182914.3 (MANE Select); coding-DNA position 11589, one base deleted (C; older notation c.11589delC).
Protein change: p.Ile3864fs; shifts the reading frame from isoleucine 3864.
Molecular consequence: frameshift variant.
Genome position (GRCh38, 1-based): chr14:64,087,775, C deleted; the last of 2 consecutive C bases (chr14:64,087,774-64,087,775); deleting either gives the same sequence. VCF-style (leftmost placement, unchanged base first): chr14-64087773-TC-T. GRCh37 (hg19) VCF-style: chr14-64554491-TC-T.
Other names: c.11589del, p.Ile3864fs (NM_015180.6); short protein forms I3864fs.
Identifiers: ClinVar variation 1677311 (VCV001677311.3), dbSNP rs1172418857, ClinGen allele CA614402135.
Genomic context (GRCh38, chr14:64,087,773, plus strand): 5'-TCAATCTTTATGGATCTAGAAGACCTGTCAATAATTTTTGAAACAGATGAATTAACCCAA[TC>T]CATACAAGAGTTAAGTAATCAAGTAACAGCTTTACAACAAAAAATAATGGAAAGCCTTCC-3'

ClinVar aggregate classification (germline): Likely benign (1 of 4 stars; one submission).

Conditions:
Emery-Dreifuss muscular dystrophy 5, autosomal dominant (EDMD5). Also called: EMERY-DREIFUSS MUSCULAR DYSTROPHY 5. Identifiers: Orphanet 261, MedGen C2751805, MONDO:0013072, OMIM 612999.

Submission:

Breda Genetics srl
Classification: Likely benign for Emery-Dreifuss muscular dystrophy 5, autosomal dominant. Last evaluated: 2022-03-11. Review status: criteria provided, single submitter. Criteria: ACMG Guidelines, 2015. Collection method: clinical testing. Allele origin: biparental. Inheritance: Autosomal dominant inheritance. Affected: yes. Observed: 1 variant allele, 1 homozygote.
Comment: The variant supposedly creates a shift in the reading frame which is predicted to result in a premature stop codon 4 amino acids downstream. Notably, the SYNE2 phenotype is associated with autosomal dominant inheritance. We therefore conclude that, depsite being a predicted framshift nucleotide change, this variant is likely benign. There is no information on allele frequency of this variant in gnomAD or 1000 Genomes Project.